The following is an entry in ClinVar:

NM_016938.5(EFEMP2):c.-58G>A

Gene: EFEMP2 (EGF-like fibulin extracellular matrix protein 2; minus strand). Cytogenetic location: 11q13.1.
Variant type: single nucleotide variant.
Coding change: c.-58G>A on transcript NM_016938.5 (MANE Select); 58 bases upstream of the start codon, G replaced by A.
Molecular consequence: 5 prime UTR variant. On other transcripts: non-coding transcript variant (1).
Genome position (GRCh38, 1-based): chr11:65,872,733, C>T on the plus strand (G>A on the coding strand, the complement: EFEMP2 is on the minus strand). VCF-style: chr11-65872733-C-T. GRCh37 (hg19) VCF-style: chr11-65640204-C-T.
Identifiers: ClinVar variation 305388 (VCV000305388.16), dbSNP rs2303384, ClinGen allele CA6110803.

ClinVar aggregate classification (germline): Benign. Review status: criteria provided, multiple submitters, no conflicts (2 of 4 stars). 4 submissions from 4 submitters: Benign (4). Last evaluated 2018-07-05.

Conditions:
Cutis laxa, autosomal recessive, type 1B (ARCL1B). Also called: CUTIS LAXA, AUTOSOMAL RECESSIVE, TYPE IB; EFEMP2-Related Cutis Laxa. Identifiers: Orphanet 90349, MedGen C3280798, MONDO:0013754, OMIM 614437. Disease mechanism: loss of function.

Allele frequency attached by ClinVar (database versions not stated): gnomAD 0.61477 and 0.62022; TOPMed 0.61494; 1000 Genomes Project 30x 0.61868; 1000 Genomes Project 0.62061; gnomAD exomes 0.70373 and 0.70551; ExAC 0.79170.
gnomAD v4.1: 231,016 of 346,672 alleles (67%); highest among the groups gnomAD compares: South Asian, 82%; 78,680 homozygotes.

Submissions (4):

ARUP Laboratories, Molecular Genetics and Genomics, ARUP Laboratories
Classification: Benign for Cutis laxa, autosomal recessive, type 1B. Last evaluated: 2018-07-05. Review status: criteria provided, single submitter. Criteria: ARUP Molecular Germline Variant Investigation Process. Collection method: clinical testing. Allele origin: germline.

GeneDx
Classification: Benign. Last evaluated: 2018-06-23. Review status: criteria provided, single submitter. Criteria: GeneDx Variant Classification Process June 2021. Collection method: clinical testing. Allele origin: germline. Affected: yes.

Illumina Laboratory Services, Illumina
Classification: Benign for Cutis laxa, autosomal recessive, type 1B. Last evaluated: 2017-04-27. Review status: criteria provided, single submitter. Criteria: ICSL Variant Classification Criteria 13 December 2019. Collection method: clinical testing. Allele origin: germline.
Comment: This variant was observed as part of a predisposition screen in an ostensibly healthy population. A literature search was performed for the gene, cDNA change, and amino acid change (where applicable). No publications were found based on this search. Allele frequency data from public databases was too high to be consistent with this variant causing disease. Therefore, this variant is classified as benign.

Breakthrough Genomics
Classification: Benign. Review status: criteria provided, single submitter. Criteria: ACMG Guidelines, 2015. Collection method: not provided. Allele origin: germline. Inheritance: Autosomal recessive inheritance. Affected: yes.